The following is an entry in ClinVar:

ClinVar aggregate classification (germline): Pathogenic (1 of 4 stars; one submission).

Submission:

Labcorp Genetics (formerly Invitae), Labcorp
Classification: Pathogenic. Last evaluated: 2023-10-04. Review status: criteria provided, single submitter. Criteria: Invitae Variant Classification Sherloc (09022015). Collection method: clinical testing. Allele origin: unknown.
Comment: This variant is a gross deletion of the genomic region encompassing exon(s) 25-53 of the ABCA12 gene, which includes the termination codon. This deletion extends beyond the assayed region for this gene and therefore may encompass additional genes. While this deletion is not anticipated to lead to nonsense mediated decay, it is expected to alter mRNA translation or result in a truncated protein product. This variant has not been reported in the literature in individuals affected with ABCA12-related conditions. This variant disrupts a region of the ABCA12 protein in which other variant(s) (p.Arg2426Trp) have been determined to be pathogenic (PMID: 30578701). This suggests that this is a clinically significant region of the protein, and that variants that disrupt it are likely to be disease-causing. For these reasons, this variant has been classified as Pathogenic.

Literature cited by the submitters: PubMed 30578701.

NC_000002.11:g.(?_215593400)_(215854365_?)del

Genes: ABCA12 (ATP binding cassette subfamily A member 12; minus strand), BARD1 (BRCA1 associated RING domain 1; minus strand). Cytogenetic location: 2q35.
Variant type: Deletion.
Identifiers: ClinVar variation 3247594 (VCV003247594.1).